The following is an entry in ClinVar:

ClinVar aggregate classification (germline): Conflicting classifications of pathogenicity. Review status: criteria provided, conflicting classifications (1 of 4 stars). 4 submissions from 4 submitters: Pathogenic (1); Uncertain significance (3). Last evaluated 2026-03-05.

Conditions:
Spastic ataxia. Identifiers: Orphanet 316226, MedGen C1849156, MONDO:0017845, HP:0002497.
Xeroderma pigmentosum, group F (XPF). Also called: ERCC4-Related Xeroderma Pigmentosum; XERODERMA PIGMENTOSUM VI; XP, GROUP F; XERODERMA PIGMENTOSUM, COMPLEMENTATION GROUP F; XERODERMA PIGMENTOSUM, TYPE F; Xeroderma pigmentosum, type 6. Identifiers: MedGen C0268140, MONDO:0010215, OMIM 278760.
Cockayne syndrome. Identifiers: Orphanet 191, MedGen C0009207, MONDO:0016006.
Fanconi anemia complementation group Q. Identifiers: Orphanet 84, MedGen C3808988, MONDO:0014108, OMIM 615272.

Allele frequency attached by ClinVar (database versions not stated): TOPMed 0.00003; ExAC 0.00005; gnomAD exomes 0.00006 and 0.00005; gnomAD 0.00007; ESP Exome Variant Server 0.00008.
gnomAD v4.1: 90 of 1,614,074 alleles (0.0056%); highest among the groups gnomAD compares: Admixed American, 0.012%; no homozygotes.

Submissions (4):

Mendelics
Classification: Uncertain significance for Xeroderma pigmentosum, group F. Last evaluated: 2026-03-05. Review status: criteria provided, single submitter. Criteria: ACMG Guidelines, 2015. Collection method: clinical testing. Allele origin: unknown.
Comment: The available evidence is insufficient to conclusively determine the role of this variant. Therefore, it is classified as a Variant of Uncertain Significance.

Dasa
Classification: Uncertain significance. Last evaluated: 2025-07-28. Review status: criteria provided, single submitter. Criteria: DASA Assertion Criteria. Collection method: clinical testing. Allele origin: germline.
Comment: NM_005236.3(ERCC4):c.2248C>T (p.Arg750Cys) is a missense variant that results in the substitution of arginine with cysteine. This variant is rare in population databases. The currently available literature and clinical evidence are not sufficient to establish a definitive association between this variant and the reported condition. Therefore, this variant is classified as a variant of uncertain significance.

Labcorp Genetics (formerly Invitae), Labcorp
Classification: Uncertain significance for Fanconi anemia complementation group Q; Xeroderma pigmentosum, group F; Cockayne syndrome. Last evaluated: 2024-05-02. Review status: criteria provided, single submitter. Criteria: Invitae Variant Classification Sherloc (09022015). Collection method: clinical testing. Allele origin: germline.
Comment: This sequence change replaces arginine, which is basic and polar, with cysteine, which is neutral and slightly polar, at codon 750 of the ERCC4 protein (p.Arg750Cys). This variant is present in population databases (rs374978891, gnomAD 0.01%). This variant has not been reported in the literature in individuals affected with ERCC4-related conditions. ClinVar contains an entry for this variant (Variation ID: 941684). Advanced modeling of protein sequence and biophysical properties (such as structural, functional, and spatial information, amino acid conservation, physicochemical variation, residue mobility, and thermodynamic stability) performed at Invitae indicates that this missense variant is expected to disrupt ERCC4 protein function with a positive predictive value of 80%. In summary, the available evidence is currently insufficient to determine the role of this variant in disease. Therefore, it has been classified as a Variant of Uncertain Significance.

Molecular Medicine for Neurodegenerative and Neuromuscular Diseases Unit, IRCCS Fondazione Stella Maris
Classification: Pathogenic for Spastic ataxia. Last evaluated: 2021-01-04. Review status: criteria provided, single submitter. Criteria: ACMG Guidelines, 2015. Collection method: research. Allele origin: unknown. Affected: yes.

NM_005236.3(ERCC4):c.2248C>T (p.Arg750Cys)

Gene: ERCC4 (ERCC excision repair 4, endonuclease catalytic subunit; plus strand). Cytogenetic location: 16p13.12.
Variant type: single nucleotide variant.
Coding change: c.2248C>T on transcript NM_005236.3 (MANE Select); coding-DNA position 2248, C replaced by T.
Protein change: p.Arg750Cys; replaces arginine 750 with cysteine.
Molecular consequence: missense variant.
Genome position (GRCh38, 1-based): chr16:13,947,844, C>T. VCF-style: chr16-13947844-C-T. GRCh37 (hg19) VCF-style: chr16-14041701-C-T.
Other names: short protein forms R750C.
Identifiers: ClinVar variation 941684 (VCV000941684.12), dbSNP rs374978891, ClinGen allele CA7910710.